The following is an entry in ClinVar:

ClinVar aggregate classification (germline): Uncertain significance (1 of 4 stars; one submission).

Conditions:
Developmental and epileptic encephalopathy, 37 (DEE37). Also called: Epileptic encephalopathy, early infantile, 37. Identifiers: MedGen C4310770, MONDO:0014859, OMIM 616981.

gnomAD v4.1: 12 of 1,613,996 alleles (0.00074%); highest among the groups gnomAD compares: East Asian, 0.0022%; no homozygotes.

Submission:

Labcorp Genetics (formerly Invitae), Labcorp
Classification: Uncertain significance for Developmental and epileptic encephalopathy, 37. Last evaluated: 2022-06-13. Review status: criteria provided, single submitter. Criteria: Invitae Variant Classification Sherloc (09022015). Collection method: clinical testing. Allele origin: germline.
Comment: This sequence change replaces valine, which is neutral and non-polar, with aspartic acid, which is acidic and polar, at codon 197 of the FRRS1L protein (p.Val197Asp). This variant is not present in population databases (gnomAD no frequency). This missense change has been observed in individual(s) with clinical features of FRRS1L-related conditions (Invitae). In at least one individual the data is consistent with being in trans (on the opposite chromosome) from a pathogenic variant. ClinVar contains an entry for this variant (Variation ID: 644118). Algorithms developed to predict the effect of missense changes on protein structure and function are either unavailable or do not agree on the potential impact of this missense change (SIFT: "Deleterious"; PolyPhen-2: "Probably Damaging"; Align-GVGD: "Class C15"). In summary, the available evidence is currently insufficient to determine the role of this variant in disease. Therefore, it has been classified as a Variant of Uncertain Significance.

NM_014334.4(FRRS1L):c.437T>A (p.Val146Asp)

Gene: FRRS1L (ferric chelate reductase 1 like; minus strand). Cytogenetic location: 9q31.3.
Variant type: single nucleotide variant.
Coding change: c.437T>A on transcript NM_014334.4 (MANE Select); coding-DNA position 437, T replaced by A.
Protein change: p.Val146Asp; replaces valine 146 with aspartic acid.
Molecular consequence: missense variant.
Genome position (GRCh38, 1-based): chr9:109,147,076, A>T on the plus strand (T>A on the coding strand, the complement: FRRS1L is on the minus strand). VCF-style: chr9-109147076-A-T. GRCh37 (hg19) VCF-style: chr9-111909356-A-T.
Other names: short protein forms V146D.
Identifiers: ClinVar variation 644118 (VCV000644118.11), dbSNP rs1588099321, ClinGen allele CA374426667.